The following is an entry in ClinVar:

NM_000254.3(MTR):c.609+1092G>A

Gene: MTR (5-methyltetrahydrofolate-homocysteine methyltransferase; plus strand). Cytogenetic location: 1q43.
Variant type: single nucleotide variant.
Coding change: c.609+1092G>A on transcript NM_000254.3 (MANE Select); 1092 bases into the intron after coding-DNA position 609, G replaced by A.
Molecular consequence: intron variant.
Genome position (GRCh38, 1-based): chr1:236,813,936, G>A. VCF-style: chr1-236813936-G-A. GRCh37 (hg19) VCF-style: chr1-236977236-G-A.
Other names: c.609+1092G>A (NM_001291939.1); c.-500+1092G>A (NM_001291940.2).
Identifiers: ClinVar variation 382575 (VCV000382575.1), dbSNP rs1057521391, ClinGen allele CA16603613.

ClinVar aggregate classification (germline): Likely benign (1 of 4 stars; one submission).

Allele frequency attached by ClinVar (database versions not stated): gnomAD 0.00001.
gnomAD v4.1: 2 of 151,860 alleles (0.0013%); highest among the groups gnomAD compares: East Asian, 0.019%; no homozygotes.

Submission:

GeneDx
Classification: Likely benign. Last evaluated: 2016-01-29. Review status: criteria provided, single submitter. Criteria: GeneDx Variant Classification (06012015). Collection method: clinical testing. Allele origin: germline. Affected: yes.
Comment: This variant is considered likely benign or benign based on one or more of the following criteria: it is a conservative change, it occurs at a poorly conserved position in the protein, it is predicted to be benign by multiple in silico algorithms, and/or has population frequency not consistent with disease.